The following is an entry in ClinVar:

NM_005726.6(TSFM):c.269G>A (p.Gly90Asp)

Gene: TSFM (Ts translation elongation factor, mitochondrial; plus strand). Cytogenetic location: 12q14.1.
Variant type: single nucleotide variant.
Coding change: c.269G>A on transcript NM_005726.6 (MANE Select); coding-DNA position 269, G replaced by A.
Protein change: p.Gly90Asp; replaces glycine 90 with aspartic acid.
Molecular consequence: missense variant.
Genome position (GRCh38, 1-based): chr12:57,786,200, G>A. VCF-style: chr12-57786200-G-A. GRCh37 (hg19) VCF-style: chr12-58179983-G-A.
Other names: c.269G>A, p.Gly90Asp (NM_001172695.2, NM_001172696.2, NM_001172697.2); short protein forms G90D.
Identifiers: ClinVar variation 1215833 (VCV001215833.13), dbSNP rs371076990, ClinGen allele CA6659310.

ClinVar aggregate classification (germline): Uncertain significance. Review status: criteria provided, multiple submitters, no conflicts (2 of 4 stars). 6 submissions from 6 submitters: Uncertain significance (5). 1 of the submissions does not count toward it. Last evaluated 2025-01-06.

Conditions:
Fatal mitochondrial disease due to combined oxidative phosphorylation defect type 3. Also called: ENCEPHALOMYOPATHY, RESPIRATORY FAILURE, AND LACTIC ACIDOSIS; Combined oxidative phosphorylation deficiency 3. Identifiers: Orphanet 168566, MedGen C1864840, MONDO:0012512, OMIM 610505.
Inborn genetic diseases. Identifiers: MedGen C0950123, MeSH D030342.

Allele frequency attached by ClinVar (database versions not stated): gnomAD 0.00004 and 0.00005; TOPMed 0.00006; ESP Exome Variant Server 0.00008; gnomAD exomes 0.00008; ExAC 0.00009.
gnomAD v4.1: 126 of 1,609,458 alleles (0.0078%); highest among the groups gnomAD compares: Middle Eastern, 0.016%; no homozygotes.

Submissions (6):

Labcorp Genetics (formerly Invitae), Labcorp
Classification: Uncertain significance. Last evaluated: 2025-01-06. Review status: criteria provided, single submitter. Criteria: Invitae Variant Classification Sherloc (09022015). Collection method: clinical testing. Allele origin: germline.
Comment: This sequence change replaces glycine, which is neutral and non-polar, with aspartic acid, which is acidic and polar, at codon 90 of the TSFM protein (p.Gly90Asp). This variant is present in population databases (rs371076990, gnomAD 0.01%). This variant has not been reported in the literature in individuals affected with TSFM-related conditions. ClinVar contains an entry for this variant (Variation ID: 1215833). Invitae Evidence Modeling of protein sequence and biophysical properties (such as structural, functional, and spatial information, amino acid conservation, physicochemical variation, residue mobility, and thermodynamic stability) indicates that this missense variant is expected to disrupt TSFM protein function with a positive predictive value of 80%. In summary, the available evidence is currently insufficient to determine the role of this variant in disease. Therefore, it has been classified as a Variant of Uncertain Significance.

Blueprint Genetics
Classification: Uncertain significance. Last evaluated: 2023-12-15. Review status: criteria provided, single submitter. Criteria: ACMG Guidelines, 2015. Collection method: clinical testing. Allele origin: germline.

Ambry Genetics
Classification: Uncertain significance for Inborn genetic diseases. Last evaluated: 2022-10-06. Review status: criteria provided, single submitter. Criteria: Ambry Variant Classification Scheme 2023. Collection method: clinical testing. Allele origin: germline.

GeneDx
Classification: Uncertain significance. Last evaluated: 2022-08-22. Review status: criteria provided, single submitter. Criteria: GeneDx Variant Classification Process June 2021. Collection method: clinical testing. Allele origin: germline. Affected: yes.
Comment: Not observed at significant frequency in large population cohorts (gnomAD); In silico analysis, which includes protein predictors and evolutionary conservation, supports a deleterious effect; Has not been previously published as pathogenic or benign to our knowledge

Breakthrough Genomics
Classification: Uncertain significance. Review status: criteria provided, single submitter. Criteria: ACMG Guidelines, 2015. Collection method: not provided. Allele origin: germline. Inheritance: Autosomal recessive inheritance. Affected: yes.

Natera, Inc.
Classification: Uncertain significance for Combined oxidative phosphorylation deficiency 3. Last evaluated: 2020-07-11. Review status: no assertion criteria provided. Collection method: clinical testing. Allele origin: germline. Not counted in ClinVar's aggregate classification.